The following is an entry in ClinVar:

ClinVar aggregate classification (germline): Uncertain significance (1 of 4 stars; one submission).

Submission:

GeneDx
Classification: Uncertain significance. Last evaluated: 2025-03-26. Review status: criteria provided, single submitter. Criteria: GeneDx Variant Classification Process June 2021. Collection method: clinical testing. Allele origin: germline. Affected: yes.
Comment: Not observed at significant frequency in large population cohorts (gnomAD); In silico analysis supports that this missense variant has a deleterious effect on protein structure/function; Has not been previously published as pathogenic or benign to our knowledge

NM_001128840.3(CACNA1D):c.6170G>C (p.Ser2057Thr)

Gene: CACNA1D (calcium voltage-gated channel subunit alpha1 D; plus strand). Cytogenetic location: 3p21.1.
Variant type: single nucleotide variant.
Coding change: c.6170G>C on transcript NM_001128840.3 (MANE Select); coding-DNA position 6170, G replaced by C.
Protein change: p.Ser2057Thr; replaces serine 2057 with threonine.
Molecular consequence: missense variant.
Genome position (GRCh38, 1-based): chr3:53,810,276, G>C. VCF-style: chr3-53810276-G-C. GRCh37 (hg19) VCF-style: chr3-53844303-G-C.
Other names: c.6230G>C, p.Ser2077Thr (NM_000720.4); c.6098G>C, p.Ser2033Thr (NM_001128839.3); short protein forms S2033T, S2057T, S2077T.
Identifiers: ClinVar variation 4278649 (VCV004278649.1).